The following is an entry in ClinVar:

NM_032578.4(MYPN):c.3017T>G (p.Ile1006Ser)

Gene: MYPN (myopalladin; plus strand). Cytogenetic location: 10q21.3.
Variant type: single nucleotide variant.
Coding change: c.3017T>G on transcript NM_032578.4 (MANE Select); coding-DNA position 3017, T replaced by G.
Protein change: p.Ile1006Ser; replaces isoleucine 1006 with serine.
Molecular consequence: missense variant. On other transcripts: non-coding transcript variant (2).
Genome position (GRCh38, 1-based): chr10:68,194,454, T>G. VCF-style: chr10-68194454-T-G. GRCh37 (hg19) VCF-style: chr10-69954211-T-G.
Other names: c.3017T>G, p.Ile1006Ser (NM_001256267.2); c.2135T>G, p.Ile712Ser (NM_001256268.2); short protein forms I1006S, I712S.
Identifiers: ClinVar variation 220980 (VCV000220980.18), dbSNP rs864622711, ClinGen allele CA349593.

ClinVar aggregate classification (germline): Uncertain significance. Review status: criteria provided, multiple submitters, no conflicts (2 of 4 stars). 6 submissions from 6 submitters: Uncertain significance (6). Last evaluated 2024-08-29.

Conditions:
Cardiovascular phenotype. Identifiers: MedGen CN230736.
Dilated cardiomyopathy 1KK (CMD1KK). Identifiers: Orphanet 154, Orphanet 75249, MedGen C3714995, MONDO:0014100, OMIM 615248.
MYPN-related myopathy (CMYO24). Also called: Nemaline myopathy 11, autosomal recessive. Identifiers: MedGen C4479186, MONDO:0015023, OMIM 617336.

Allele frequency attached by ClinVar (database versions not stated): gnomAD exomes 0.00001; TOPMed 0.00001; gnomAD 0.00001.
gnomAD v4.1: 12 of 1,613,818 alleles (0.00074%); highest among the groups gnomAD compares: East Asian, 0.0067%; no homozygotes.

Submissions (6):

Labcorp Genetics (formerly Invitae), Labcorp
Classification: Uncertain significance for Dilated cardiomyopathy 1KK. Last evaluated: 2024-08-29. Review status: criteria provided, single submitter. Criteria: Invitae Variant Classification Sherloc (09022015). Collection method: clinical testing. Allele origin: germline.
Comment: This sequence change replaces isoleucine, which is neutral and non-polar, with serine, which is neutral and polar, at codon 1006 of the MYPN protein (p.Ile1006Ser). This variant is present in population databases (no rsID available, gnomAD 0.01%). This missense change has been observed in individual(s) with cardiomyopathy (PMID: 33906374). ClinVar contains an entry for this variant (Variation ID: 220980). An algorithm developed to predict the effect of missense changes on protein structure and function (PolyPhen-2) suggests that this variant is likely to be disruptive. In summary, the available evidence is currently insufficient to determine the role of this variant in disease. Therefore, it has been classified as a Variant of Uncertain Significance.

GeneDx
Classification: Uncertain significance. Last evaluated: 2024-05-14. Review status: criteria provided, single submitter. Criteria: GeneDx Variant Classification Process June 2021. Collection method: clinical testing. Allele origin: germline. Affected: yes.
Comment: Has not been previously published as pathogenic or benign to our knowledge; Not observed at significant frequency in large population cohorts (gnomAD); In silico analysis indicates that this missense variant does not alter protein structure/function

Women's Health and Genetics/Laboratory Corporation of America, LabCorp
Classification: Uncertain significance. Last evaluated: 2023-11-07. Review status: criteria provided, single submitter. Criteria: LabCorp Variant Classification Summary - May 2015. Collection method: clinical testing. Allele origin: germline.
Comment: Variant summary: MYPN c.3017T>G (p.Ile1006Ser) results in a non-conservative amino acid change in the encoded protein sequence. Five of five in-silico tools predict a damaging effect of the variant on protein function. The variant allele was found at a frequency of 8e-06 in 250794 control chromosomes. The available data on variant occurrences in the general population are insufficient to allow any conclusion about variant significance. c.3017T>G has been reported in the literature in at least one individual affected with pediatric cardiomyopathy reported as a VUS (e.g. Ware_2021). These report(s) do not provide unequivocal conclusions about association of the variant with Cardiomyopathy. To our knowledge, no experimental evidence demonstrating an impact on protein function has been reported. The following publication has been ascertained in the context of this evaluation (PMID: 33906374). Four submitters have cited clinical-significance assessments for this variant to ClinVar after 2014. All submitters classified the variant as uncertain significance. Based on the evidence outlined above, the variant was classified as uncertain significance.

Ambry Genetics
Classification: Uncertain significance for Cardiovascular phenotype. Last evaluated: 2023-05-17. Review status: criteria provided, single submitter. Criteria: Ambry Variant Classification Scheme 2023. Collection method: clinical testing. Allele origin: germline.
Comment: The p.I1006S variant (also known as c.3017T>G), located in coding exon 13 of the MYPN gene, results from a T to G substitution at nucleotide position 3017. The isoleucine at codon 1006 is replaced by serine, an amino acid with dissimilar properties. This amino acid position is highly conserved in available vertebrate species. In addition, this alteration is predicted to be deleterious by in silico analysis. Since supporting evidence is limited at this time, the clinical significance of this alteration remains unclear.

Fulgent Genetics
Classification: Uncertain significance for Dilated cardiomyopathy 1KK; MYPN-related myopathy. Last evaluated: 2021-07-22. Review status: criteria provided, single submitter. Criteria: ACMG Guidelines, 2015. Collection method: clinical testing. Allele origin: unknown.

Stanford Center for Inherited Cardiovascular Disease, Stanford University
Classification: Uncertain significance. Last evaluated: 2016-02-19. Review status: criteria provided, single submitter. Criteria: ACMG Guidelines, 2015. Collection method: provider interpretation. Allele origin: germline.

Literature cited by the submitters: PubMed 33906374 (cited by Labcorp Genetics (formerly Invitae), Labcorp and Women's Health and Genetics/Laboratory Corporation of America, LabCorp); PubMed 35026164 (cited by Ambry Genetics).